The following is an entry in ClinVar:

NM_000551.4(VHL):c.270C>G (p.Asn90Lys)

Gene: VHL (von Hippel-Lindau tumor suppressor; plus strand). Cytogenetic location: 3p25.3.
Variant type: single nucleotide variant.
Coding change: c.270C>G on transcript NM_000551.4 (MANE Select); coding-DNA position 270, C replaced by G.
Protein change: p.Asn90Lys; replaces asparagine 90 with lysine.
Molecular consequence: missense variant. On other transcripts: non-coding transcript variant (1).
Genome position (GRCh38, 1-based): chr3:10,142,117, C>G. VCF-style: chr3-10142117-C-G. GRCh37 (hg19) VCF-style: chr3-10183801-C-G.
Other names: c.270C>G, p.Asn90Lys (NM_001354723.2, NM_198156.3); short protein forms N90K.
Identifiers: ClinVar variation 3386190 (VCV003386190.1).

ClinVar aggregate classification (germline): Uncertain significance (1 of 4 stars; one submission).

Conditions:
Von Hippel-Lindau syndrome (VHLS). Also called: Von Hippel-Lindau; VHL syndrome; von Hippel–Lindau syndrome. Identifiers: Orphanet 892, MedGen C0019562, MONDO:0008667, OMIM 193300. Disease mechanism: loss of function.

Submission:

All of Us Research Program, National Institutes of Health
Classification: Uncertain significance for Von Hippel-Lindau syndrome. Last evaluated: 2024-03-24. Review status: criteria provided, single submitter. Criteria: ACMG Guidelines, 2015. Collection method: clinical testing. Allele origin: germline. Inheritance: Autosomal dominant inheritance. Observed: 1 variant allele, 1 heterozygote.
Comment: This missense variant replaces asparagine with lysine at codon 90 of the VHL protein. Computational prediction is inconclusive regarding the impact of this variant on protein structure and function. To our knowledge, functional studies have not been reported for this variant. This variant has not been reported in individuals affected with VHL-related disorders in the literature. This variant has not been identified in the general population by the Genome Aggregation Database (gnomAD). The available evidence is insufficient to determine the role of this variant in disease conclusively. Therefore, this variant is classified as a Variant of Uncertain Significance.

This study involves interpretation of variants in research participants for the purpose of population health screening. Participant phenotype was not available at the time of variant classification. Additional details can be found in publication PMID: 35346344, PMCID: PMC8962531